The following is an entry in ClinVar:

ClinVar aggregate classification (germline): Uncertain significance (1 of 4 stars; one submission).

Submission:

Labcorp Genetics (formerly Invitae), Labcorp
Classification: Uncertain significance. Last evaluated: 2022-08-23. Review status: criteria provided, single submitter. Criteria: Invitae Variant Classification Sherloc (09022015). Collection method: clinical testing. Allele origin: germline.
Comment: This sequence change replaces tyrosine, which is neutral and polar, with serine, which is neutral and polar, at codon 1698 of the MTOR protein (p.Tyr1698Ser). This variant is not present in population databases (gnomAD no frequency). This variant has not been reported in the literature in individuals affected with MTOR-related conditions. ClinVar contains an entry for this variant (Variation ID: 1464048). Advanced modeling of protein sequence and biophysical properties (such as structural, functional, and spatial information, amino acid conservation, physicochemical variation, residue mobility, and thermodynamic stability) performed at Invitae indicates that this missense variant is expected to disrupt MTOR protein function. In summary, the available evidence is currently insufficient to determine the role of this variant in disease. Therefore, it has been classified as a Variant of Uncertain Significance.

NM_004958.4(MTOR):c.5093A>C (p.Tyr1698Ser)

Gene: MTOR (mechanistic target of rapamycin kinase; minus strand). Cytogenetic location: 1p36.22.
Variant type: single nucleotide variant.
Coding change: c.5093A>C on transcript NM_004958.4 (MANE Select); coding-DNA position 5093, A replaced by C.
Protein change: p.Tyr1698Ser; replaces tyrosine 1698 with serine.
Molecular consequence: missense variant.
Genome position (GRCh38, 1-based): chr1:11,139,341, T>G on the plus strand (A>C on the coding strand, the complement: MTOR is on the minus strand). VCF-style: chr1-11139341-T-G. GRCh37 (hg19) VCF-style: chr1-11199398-T-G.
Other names: c.5093A>C, p.Tyr1698Ser (NM_001386500.1); c.3845A>C, p.Tyr1282Ser (NM_001386501.1); short protein forms Y1698S, Y1282S.
Identifiers: ClinVar variation 1464048 (VCV001464048.8), dbSNP rs1274400152, ClinGen allele CA338401758.